The following is an entry in ClinVar:

NM_001807.6(CEL):c.472G>A (p.Val158Met)

Gene: CEL (carboxyl ester lipase; plus strand). Cytogenetic location: 9q34.13.
Variant type: single nucleotide variant.
Coding change: c.472G>A on transcript NM_001807.6 (MANE Select); coding-DNA position 472, G replaced by A.
Protein change: p.Val158Met; replaces valine 158 with methionine.
Molecular consequence: missense variant.
Genome position (GRCh38, 1-based): chr9:133,065,171, G>A. VCF-style: chr9-133065171-G-A. GRCh37 (hg19) VCF-style: chr9-135940558-G-A.
Other names: c.481G>A (NM_001807.3); short protein forms V158M.
Identifiers: ClinVar variation 1803910 (VCV001803910.4), dbSNP rs190538939, ClinGen allele CA5303018.

ClinVar aggregate classification (germline): Uncertain significance. Review status: criteria provided, multiple submitters, no conflicts (2 of 4 stars). 3 submissions from 3 submitters: Uncertain significance (3). Last evaluated 2024-12-14.

Conditions:
Maturity-onset diabetes of the young type 8 (MODY8). Also called: DIABETES-PANCREATIC EXOCRINE DYSFUNCTION SYNDROME; DIABETES AND PANCREATIC EXOCRINE DYSFUNCTION. Identifiers: Orphanet 552, MedGen C1853297, MONDO:0012348, OMIM 609812.

Allele frequency attached by ClinVar (database versions not stated): ExAC 0.00008; gnomAD 0.00015; ESP Exome Variant Server 0.00016; 1000 Genomes Project 0.00040.

Submissions (3):

GeneDx
Classification: Uncertain significance. Last evaluated: 2024-12-14. Review status: criteria provided, single submitter. Criteria: GeneDx Variant Classification Process June 2021. Collection method: clinical testing. Allele origin: germline. Affected: yes.
Comment: Identified in a patient with hyperglycemia (PMID: 31595705); In silico analysis supports that this missense variant has a deleterious effect on protein structure/function; This variant is associated with the following publications: (PMID: 31595705)

Fulgent Genetics
Classification: Uncertain significance for Maturity-onset diabetes of the young type 8. Last evaluated: 2024-03-25. Review status: criteria provided, single submitter. Criteria: ACMG Guidelines, 2015. Collection method: clinical testing. Allele origin: germline.

New York Genome Center
Classification: Uncertain significance for Maturity-onset diabetes of the young type 8. Last evaluated: 2020-12-12. Review status: criteria provided, single submitter. Criteria: NYGC Assertion Criteria 2020. Collection method: clinical testing. Allele origin: germline. Observed: 1 heterozygote.
Comment: The c.481G>A (p.Val161Met) variant identified in the CEL gene substitutes a conserved Valine for Methionine at amino acid 161/757(exon 4/11). This variant is found with low frequency in gnomAD(v3.1) (24 heterozygotes, 0 homozygotes; allele frequency: 1.58e-4) suggesting it is not a common benign variant in the populations represented in that database. In silico algorithms do not agree on the effect of this variant, as it is predicted both Damaging (SIFT; score:0.001) and Benign (REVEL; score:0.61) to the function of the canonical transcript. This variant is absent from ClinVar and has been reported in an individual with Maturity Onset Diabetes of the Young (MODY) (individual CEL-3), although with unclear clinical significance [PMID:31595705]. Given the lack of compelling evidence for its pathogenicity, the c.481G>A (p.Val161Met) variant identified in the CEL gene is reported as a Variant of Uncertain Significance.